The following is an entry in ClinVar:

NM_004281.4(BAG3):c.115T>A (p.Phe39Ile)

Gene: BAG3 (BAG cochaperone 3; plus strand). Cytogenetic location: 10q26.11.
Variant type: single nucleotide variant.
Coding change: c.115T>A on transcript NM_004281.4 (MANE Select); coding-DNA position 115, T replaced by A.
Protein change: p.Phe39Ile; replaces phenylalanine 39 with isoleucine.
Molecular consequence: missense variant.
Genome position (GRCh38, 1-based): chr10:119,651,790, T>A. VCF-style: chr10-119651790-T-A. GRCh37 (hg19) VCF-style: chr10-121411302-T-A.
Other names: short protein forms F39I.
Identifiers: ClinVar variation 1998551 (VCV001998551.4), dbSNP rs2493979913, ClinGen allele CA378294207.

ClinVar aggregate classification (germline): Uncertain significance (1 of 4 stars; one submission).

Conditions:
Dilated cardiomyopathy 1HH (CMD1HH). Identifiers: Orphanet 154, MedGen C3151293, MONDO:0013479, OMIM 613881.
Myofibrillar myopathy 6. Identifiers: Orphanet 199340, MedGen C2751831, MONDO:0013061, OMIM 612954.

Submission:

Labcorp Genetics (formerly Invitae), Labcorp
Classification: Uncertain significance for Dilated cardiomyopathy 1HH; Myofibrillar myopathy 6. Last evaluated: 2022-05-25. Review status: criteria provided, single submitter. Criteria: Invitae Variant Classification Sherloc (09022015). Collection method: clinical testing. Allele origin: germline.
Comment: In summary, the available evidence is currently insufficient to determine the role of this variant in disease. Therefore, it has been classified as a Variant of Uncertain Significance. Algorithms developed to predict the effect of missense changes on protein structure and function are either unavailable or do not agree on the potential impact of this missense change (SIFT: "Deleterious"; PolyPhen-2: "Probably Damaging"; Align-GVGD: "Class C0"). This variant has not been reported in the literature in individuals affected with BAG3-related conditions. This variant is not present in population databases (gnomAD no frequency). This sequence change replaces phenylalanine, which is neutral and non-polar, with isoleucine, which is neutral and non-polar, at codon 39 of the BAG3 protein (p.Phe39Ile).